The following is an entry in ClinVar:

ClinVar aggregate classification (germline): Uncertain significance. Review status: criteria provided, single submitter (1 of 4 stars). 2 submissions from 2 submitters: Uncertain significance (1). 1 of the submissions does not count toward it. Last evaluated 2026-06-15.

Conditions:
Fanconi anemia (FA). Also called: Fanconi's anemia. Identifiers: Orphanet 84, MedGen C0015625, MeSH D005199, MONDO:0019391.
Inborn genetic diseases. Identifiers: MedGen C0950123, MeSH D030342.

Submissions (2):

Ambry Genetics
Classification: Uncertain significance for Inborn genetic diseases. Last evaluated: 2026-06-15. Review status: criteria provided, single submitter. Criteria: Ambry Variant Classification Scheme 2023. Collection method: clinical testing. Allele origin: germline.
Comment: The p.L328F variant (also known as c.982C>T), located in coding exon 11 of the FANCA gene, results from a C to T substitution at nucleotide position 982. The leucine at codon 328 is replaced by phenylalanine, an amino acid with highly similar properties. This amino acid position is conserved. In addition, this alteration is predicted to be tolerated by in silico analysis. Based on the available evidence, the clinical significance of this variant remains unclear.

Natera, Inc.
Classification: Uncertain significance for Fanconi anemia. Last evaluated: 2025-05-29. Review status: no assertion criteria provided. Collection method: clinical testing. Allele origin: germline. Not counted in ClinVar's aggregate classification.

NM_000135.4(FANCA):c.982C>T (p.Leu328Phe)

Gene: FANCA (FA complementation group A; minus strand). Cytogenetic location: 16q24.3.
Variant type: single nucleotide variant.
Coding change: c.982C>T on transcript NM_000135.4 (MANE Select); coding-DNA position 982, C replaced by T.
Protein change: p.Leu328Phe; replaces leucine 328 with phenylalanine.
Molecular consequence: missense variant.
Genome position (GRCh38, 1-based): chr16:89,795,930, G>A on the plus strand (C>T on the coding strand, the complement: FANCA is on the minus strand). VCF-style: chr16-89795930-G-A. GRCh37 (hg19) VCF-style: chr16-89862338-G-A.
Other names: c.982C>T, p.Leu328Phe (NM_001286167.3); short protein forms L328F.
Identifiers: ClinVar variation 4067925 (VCV004067925.2).